The following is an entry in ClinVar:

NM_007194.4(CHEK2):c.1376-27C>G

Gene: CHEK2 (checkpoint kinase 2; minus strand). Cytogenetic location: 22q12.1.
Variant type: single nucleotide variant.
Coding change: c.1376-27C>G on transcript NM_007194.4 (MANE Select); 27 bases into the intron before coding-DNA position 1376, C replaced by G.
Molecular consequence: intron variant.
Genome position (GRCh38, 1-based): chr22:28,694,144, G>C on the plus strand (C>G on the coding strand, the complement: CHEK2 is on the minus strand). VCF-style: chr22-28694144-G-C. GRCh37 (hg19) VCF-style: chr22-29090132-G-C.
Other names: c.713-27C>G (NM_001437942.1, NM_001257387.3); c.1175-27C>G (NM_001349956.3); c.1289-27C>G (NM_145862.3); c.1382-27C>G (NM_001438295.1); c.1469-27C>G (NM_001438293.1); c.1418-27C>G (NM_001438294.1); c.1505-27C>G (NM_001005735.3).
Identifiers: ClinVar variation 2562256 (VCV002562256.7), dbSNP rs780707007, ClinGen allele CA10167661.

ClinVar aggregate classification (germline): Conflicting classifications of pathogenicity. Review status: criteria provided, conflicting classifications (1 of 4 stars). 3 submissions from 3 submitters: Likely pathogenic (1); Uncertain significance (2). Last evaluated 2025-09-24.

Conditions:
Hereditary cancer-predisposing syndrome. Also called: Neoplastic Syndromes, Hereditary; Hereditary Cancer Syndrome; Hereditary neoplastic syndrome; Tumor predisposition. Identifiers: Orphanet 140162, MedGen C0027672, MeSH D009386, MONDO:0015356.
Familial cancer of breast. Also called: Hereditary breast cancer; hereditary breast carcinoma; BREAST CANCER, FAMILIAL. Identifiers: Orphanet 227535, MedGen C0346153, MONDO:0016419, OMIM 114480. Disease mechanism: loss of function.

Allele frequency attached by ClinVar (database versions not stated): gnomAD exomes below 0.00001; TOPMed below 0.00001; ExAC 0.00001; gnomAD 0.00001.
gnomAD v4.1: 4 of 1,448,222 alleles (0.00028%); highest among the groups gnomAD compares: Admixed American, 0.0033%; no homozygotes.

Submissions (3):

Ambry Genetics
Classification: Likely pathogenic for Hereditary cancer-predisposing syndrome. Last evaluated: 2025-09-24. Review status: criteria provided, single submitter. Criteria: Ambry Variant Classification Scheme 2023. Collection method: clinical testing. Allele origin: germline.
Comment: The c.1376-27C>G intronic variant results from a C to G substitution 27 nucleotides upstream from coding exon 12 in the CHEK2 gene. This nucleotide position is not well conserved in available vertebrate species. In silico splice site analysis predicts that this alteration will weaken the native splice acceptor site and will result in the creation or strengthening of a novel splice acceptor site. RNA studies have demonstrated that this alteration results in abnormal splicing in the set of samples tested (Ambry internal data). Based on the majority of available evidence to date, this variant is likely to be pathogenic.

Labcorp Genetics (formerly Invitae), Labcorp
Classification: Uncertain significance for Familial cancer of breast. Last evaluated: 2024-06-10. Review status: criteria provided, single submitter. Criteria: Invitae Variant Classification Sherloc (09022015). Collection method: clinical testing. Allele origin: germline.
Comment: This sequence change falls in intron 12 of the CHEK2 gene. It does not directly change the encoded amino acid sequence of the CHEK2 protein. RNA analysis indicates that this variant induces altered splicing and may result in an absent or disrupted protein product. This variant is present in population databases (rs780707007, gnomAD 0.006%). This variant has not been reported in the literature in individuals affected with CHEK2-related conditions. ClinVar contains an entry for this variant (Variation ID: 2562256). Studies have shown that this variant results in activation of a cryptic splice site and introduces a premature termination codon (Invitae). The resulting mRNA is expected to undergo nonsense-mediated decay. In summary, the available evidence is currently insufficient to determine the role of this variant in disease. Therefore, it has been classified as a Variant of Uncertain Significance.

Baylor Genetics
Classification: Uncertain significance for Familial cancer of breast. Last evaluated: 2024-03-15. Review status: criteria provided, single submitter. Criteria: ACMG Guidelines, 2015. Collection method: clinical testing. Allele origin: unknown.